The following is an entry in ClinVar:

NM_001367624.2(ZNF469):c.6579G>A (p.Pro2193=)

Gene: ZNF469 (zinc finger protein 469; plus strand). Cytogenetic location: 16q24.2.
Variant type: single nucleotide variant.
Coding change: c.6579G>A on transcript NM_001367624.2 (MANE Select); coding-DNA position 6579, G replaced by A.
Protein change: p.Pro2193=; no amino-acid change (proline 2193 retained).
Molecular consequence: synonymous variant.
Genome position (GRCh38, 1-based): chr16:88,434,049, G>A. VCF-style: chr16-88434049-G-A. GRCh37 (hg19) VCF-style: chr16-88500457-G-A.
Other names: NM_001127464.1:c.6495G>A; NM_001127464.2:c.6495G>A.
Identifiers: ClinVar variation 1753844 (VCV001753844.10), dbSNP rs572828624, ClinGen allele CA8225167.

ClinVar aggregate classification (germline): Likely benign. Review status: criteria provided, multiple submitters, no conflicts (2 of 4 stars). 5 submissions from 5 submitters: Likely benign (4). 1 of the submissions does not count toward it. Last evaluated 2026-05-11.

Conditions:
Cardiovascular phenotype. Identifiers: MedGen CN230736.
ZNF469-related disorder. Also called: ZNF469-related condition.

Allele frequency attached by ClinVar (database versions not stated): gnomAD 0.00009; ExAC 0.00011; 1000 Genomes Project 30x 0.00062; 1000 Genomes Project 0.00080.
gnomAD v4.1: 100 of 1,550,280 alleles (0.0065%); highest among the groups gnomAD compares: East Asian, 0.076%; no homozygotes.

Submissions (5):

Women's Health and Genetics/Laboratory Corporation of America, LabCorp
Classification: Likely benign. Last evaluated: 2026-05-11. Review status: criteria provided, single submitter. Criteria: LabCorp Variant Classification Summary - May 2015. Collection method: clinical testing. Allele origin: germline.

Labcorp Genetics (formerly Invitae), Labcorp
Classification: Likely benign. Last evaluated: 2026-01-01. Review status: criteria provided, single submitter. Criteria: Invitae Variant Classification Sherloc (09022015). Collection method: clinical testing. Allele origin: germline.

Blueprint Genetics
Classification: Likely benign. Last evaluated: 2024-02-12. Review status: criteria provided, single submitter. Criteria: ACMG Guidelines, 2015. Collection method: clinical testing. Allele origin: germline.

Ambry Genetics
Classification: Likely benign for Cardiovascular phenotype. Last evaluated: 2019-06-01. Review status: criteria provided, single submitter. Criteria: Ambry Variant Classification Scheme 2023. Collection method: clinical testing. Allele origin: germline.

PreventionGenetics, part of Exact Sciences
Classification: Likely benign for ZNF469-related condition. Last evaluated: 2024-04-04. Review status: no assertion criteria provided. Collection method: clinical testing. Allele origin: germline. Not counted in ClinVar's aggregate classification.
Comment: This variant is classified as likely benign based on ACMG/AMP sequence variant interpretation guidelines (Richards et al. 2015 PMID: 25741868, with internal and published modifications).